The following is an entry in ClinVar:

NM_017636.4(TRPM4):c.2707A>C (p.Thr903Pro)

Gene: TRPM4 (transient receptor potential cation channel subfamily M member 4; plus strand). Cytogenetic location: 19q13.33.
Variant type: single nucleotide variant.
Coding change: c.2707A>C on transcript NM_017636.4 (MANE Select); coding-DNA position 2707, A replaced by C.
Protein change: p.Thr903Pro; replaces threonine 903 with proline.
Molecular consequence: missense variant.
Genome position (GRCh38, 1-based): chr19:49,200,361, A>C. VCF-style: chr19-49200361-A-C. GRCh37 (hg19) VCF-style: chr19-49703618-A-C.
Other names: c.2272A>C, p.Thr758Pro (NM_001195227.2); c.2362A>C, p.Thr788Pro (NM_001321281.2); c.1099A>C, p.Thr367Pro (NM_001321282.2); c.2185A>C, p.Thr729Pro (NM_001321283.2); c.1645A>C, p.Thr549Pro (NM_001321285.2); short protein forms T367P, T549P, T729P, T758P, T788P, T903P.
Identifiers: ClinVar variation 4865976 (VCV004865976.1).

ClinVar aggregate classification (germline): Uncertain significance (1 of 4 stars; one submission).

Conditions:
Cardiovascular phenotype. Identifiers: MedGen CN230736.

Submission:

Ambry Genetics
Classification: Uncertain significance for Cardiovascular phenotype. Last evaluated: 2026-04-27. Review status: criteria provided, single submitter. Criteria: Ambry Variant Classification Scheme 2023. Collection method: clinical testing. Allele origin: germline.
Comment: The p.T903P variant (also known as c.2707A>C), located in coding exon 18 of the TRPM4 gene, results from an A to C substitution at nucleotide position 2707. The threonine at codon 903 is replaced by proline, an amino acid with highly similar properties. This amino acid position is conserved. In addition, the in silico prediction for this alteration is inconclusive. Based on the available evidence, the clinical significance of this variant remains unclear.